The following is an entry in ClinVar:

ClinVar aggregate classification (germline): Likely pathogenic (1 of 4 stars; one submission).

Submission:

Dasa
Classification: Likely pathogenic. Last evaluated: 2026-03-25. Review status: criteria provided, single submitter. Criteria: DASA Assertion Criteria. Collection method: clinical testing. Allele origin: germline.
Comment: NM_001349206.2(LPIN1):c.1430C>A (p.Ser477*) is a nonsense variant in LPIN1 predicted to introduce a premature termination codon and is predicted to result in an absent or altered protein product. Loss of function is an established disease mechanism for LPIN1-associated disorders. Also, this variant is rare in population databases. Based on the currently available evidence, this variant is classified as likely pathogenic.

NM_001349206.2(LPIN1):c.1430C>A (p.Ser477Ter)

Genes: LPIN1 (lipin 1; plus strand), LOC122756382 (Sharpr-MPRA regulatory region 7856; plus strand). Cytogenetic location: 2p25.1.
Variant type: single nucleotide variant.
Coding change: c.1430C>A on transcript NM_001349206.2 (MANE Select); coding-DNA position 1430, C replaced by A.
Protein change: p.Ser477Ter; replaces serine 477 with a stop codon.
Molecular consequence: nonsense. On other transcripts: non-coding transcript variant (1).
Genome position (GRCh38, 1-based): chr2:11,784,957, C>A. VCF-style: chr2-11784957-C-A. GRCh37 (hg19) VCF-style: chr2-11925083-C-A.
Other names: c.1340C>A, p.Ser447Ter (NM_001261427.3); c.1577C>A, p.Ser526Ter (NM_001261428.3); c.1322C>A, p.Ser441Ter (NM_001349199.2, NM_001349200.2, NM_001349201.2 and 1 more transcripts); c.1427C>A, p.Ser476Ter (NM_001349202.2, NM_001349203.2); c.1430C>A, p.Ser477Ter (NM_001349204.2, NM_001349205.2); c.1520C>A, p.Ser507Ter (NM_001349207.2); c.1469C>A, p.Ser490Ter (NM_001349208.2); short protein forms S441*, S447*, S476*, S477*, S490*, S507*, S526*.
Identifiers: ClinVar variation 4882462 (VCV004882462.2).